The following is an entry in ClinVar:

NM_006031.6(PCNT):c.6158A>C (p.Glu2053Ala)

Gene: PCNT (pericentrin; plus strand). Cytogenetic location: 21q22.3.
Variant type: single nucleotide variant.
Coding change: c.6158A>C on transcript NM_006031.6 (MANE Select); coding-DNA position 6158, A replaced by C.
Protein change: p.Glu2053Ala; replaces glutamic acid 2053 with alanine.
Molecular consequence: missense variant.
Genome position (GRCh38, 1-based): chr21:46,416,076, A>C. VCF-style: chr21-46416076-A-C. GRCh37 (hg19) VCF-style: chr21-47835990-A-C.
Other names: c.5804A>C, p.Glu1935Ala (NM_001315529.2); short protein forms E1935A, E2053A.
Identifiers: ClinVar variation 4995216 (VCV004995216.1).

ClinVar aggregate classification (germline): Uncertain significance (1 of 4 stars; one submission).

Conditions:
PCNT-related disorder. Also called: PCNT-related condition.

Submission:

PreventionGenetics, part of Exact Sciences
Classification: Uncertain significance for PCNT-related condition. Last evaluated: 2026-03-07. Review status: criteria provided, single submitter. Criteria: ACMG Guidelines, 2015. Collection method: clinical testing. Allele origin: germline.
Comment: The PCNT c.6158A>C variant is predicted to result in the amino acid substitution p.Glu2053Ala. To our knowledge, this variant has not been reported in the literature or in a large population database (gnomAD), indicating this variant is rare. At this time, the clinical significance of this variant is uncertain due to the absence of conclusive functional and genetic evidence.